The following is an entry in ClinVar:

ClinVar aggregate classification (germline): Conflicting classifications of pathogenicity. Review status: criteria provided, conflicting classifications (1 of 4 stars). 5 submissions from 5 submitters: Uncertain significance (4); Likely benign (1). Last evaluated 2025-01-06.

Conditions:
BRCA1-related disorder. Also called: BRCA1-related condition.
Hereditary cancer-predisposing syndrome. Also called: Tumor predisposition; Hereditary Cancer Syndrome; Neoplastic Syndromes, Hereditary; Hereditary neoplastic syndrome. Identifiers: Orphanet 140162, MedGen C0027672, MeSH D009386, MONDO:0015356.
Hereditary breast ovarian cancer syndrome. Also called: Breast and ovarian cancer; Hereditary breast and ovarian cancer; Hereditary breast and ovarian cancer syndrome; Hereditary breast and/or ovarian cancer syndrome; BRCA1- and BRCA2-Associated Hereditary Breast and Ovarian Cancer; Hereditary breast and ovarian cancer syndrome (HBOC). Identifiers: Orphanet 145, MedGen C0677776, MeSH D061325, MONDO:0003582. Disease mechanism: loss of function.
Breast-ovarian cancer, familial, susceptibility to, 1 (BROVCA1). Also called: BRCA1 Hereditary Breast and Ovarian Cancer; OVARIAN CANCER, SUSCEPTIBILITY TO. Identifiers: Orphanet 145, MedGen C2676676, MONDO:0011450, OMIM 604370. Disease mechanism: loss of function.

Submissions (5):

PreventionGenetics, part of Exact Sciences
Classification: Uncertain significance for BRCA1-related condition. Last evaluated: 2025-01-06. Review status: criteria provided, single submitter. Criteria: ACMG Guidelines, 2015. Collection method: clinical testing. Allele origin: germline.
Comment: The BRCA1 c.4856C>T variant is predicted to result in the amino acid substitution p.Thr1619Ile. To our knowledge, this variant has not been reported in the literature or in a large population database, indicating this variant is rare. This variant has conflicting interpretations in ClinVar ranging from uncertain to likely benign. At this time, the clinical significance of this variant is uncertain due to the absence of conclusive functional and genetic evidence.

Ambry Genetics
Classification: Uncertain significance for Hereditary cancer-predisposing syndrome. Last evaluated: 2024-11-22. Review status: criteria provided, single submitter. Criteria: Ambry Variant Classification Scheme 2023. Collection method: clinical testing. Allele origin: germline.
Comment: The p.T1619I variant (also known as c.4856C>T), located in coding exon 14 of the BRCA1 gene, results from a C to T substitution at nucleotide position 4856. The threonine at codon 1619 is replaced by isoleucine, an amino acid with similar properties. This amino acid position is not well conserved in available vertebrate species. In addition, this alteration is predicted to be tolerated by in silico analysis. Since supporting evidence is limited at this time, the clinical significance of this alteration remains unclear.

Labcorp Genetics (formerly Invitae), Labcorp
Classification: Uncertain significance for Hereditary breast ovarian cancer syndrome. Last evaluated: 2024-02-05. Review status: criteria provided, single submitter. Criteria: Invitae Variant Classification Sherloc (09022015). Collection method: clinical testing. Allele origin: germline.
Comment: This sequence change replaces threonine, which is neutral and polar, with isoleucine, which is neutral and non-polar, at codon 1619 of the BRCA1 protein (p.Thr1619Ile). This variant is not present in population databases (gnomAD no frequency). This variant has not been reported in the literature in individuals affected with BRCA1-related conditions. ClinVar contains an entry for this variant (Variation ID: 231443). Advanced modeling of protein sequence and biophysical properties (such as structural, functional, and spatial information, amino acid conservation, physicochemical variation, residue mobility, and thermodynamic stability) performed at Invitae indicates that this missense variant is not expected to disrupt BRCA1 protein function with a negative predictive value of 95%. In summary, the available evidence is currently insufficient to determine the role of this variant in disease. Therefore, it has been classified as a Variant of Uncertain Significance.

All of Us Research Program, National Institutes of Health
Classification: Uncertain significance for Breast-ovarian cancer, familial, susceptibility to, 1. Last evaluated: 2023-12-13. Review status: criteria provided, single submitter. Criteria: ACMG Guidelines, 2015. Collection method: clinical testing. Allele origin: germline. Inheritance: Autosomal dominant inheritance. Observed: 1 variant allele, 1 heterozygote.
Comment: This missense variant replaces threonine with isoleucine at codon 1619 of the BRCA1 protein. Computational prediction is inconclusive regarding the impact of this variant on protein structure and function. To our knowledge, functional studies have not been reported for this variant. A multifactorial analysis has reported likelihood ratio for pathogenicity based on personal and family history of approximately 0.9789 (PMID: 31853058). This variant has not been identified in the general population by the Genome Aggregation Database (gnomAD). The available evidence is insufficient to determine the role of this variant in disease conclusively. Therefore, this variant is classified as a Variant of Uncertain Significance.

This study involves interpretation of variants in research participants for the purpose of population health screening. Participant phenotype was not available at the time of variant classification. Additional details can be found in publication PMID: 35346344, PMCID: PMC8962531

Myriad Genetics, Inc.
Classification: Likely benign for Breast-ovarian cancer, familial, susceptibility to, 1. Last evaluated: 2023-06-23. Review status: criteria provided, single submitter. Criteria: Myriad Autosomal Dominant, Autosomal Recessive and X-Linked Classification Criteria (2023). Collection method: clinical testing. Allele origin: unknown.
Comment: This variant is considered likely benign. This variant is strongly associated with less severe personal and family histories of cancer, typical for individuals without pathogenic variants in this gene [PMID: 25085752].

Literature cited by the submitters: PubMed 31853058 (cited by All of Us Research Program, National Institutes of Health); PubMed 25085752 (cited by Myriad Genetics, Inc.).

NM_007294.4(BRCA1):c.4856C>T (p.Thr1619Ile)

Gene: BRCA1 (BRCA1 DNA repair associated; minus strand). Cytogenetic location: 17q21.31.
Variant type: single nucleotide variant.
Coding change: c.4856C>T on transcript NM_007294.4 (MANE Select); coding-DNA position 4856, C replaced by T.
Protein change: p.Thr1619Ile; replaces threonine 1619 with isoleucine.
Molecular consequence: missense variant. On other transcripts: non-coding transcript variant (1).
Genome position (GRCh38, 1-based): chr17:43,071,058, G>A on the plus strand (C>T on the coding strand, the complement: BRCA1 is on the minus strand). VCF-style: chr17-43071058-G-A. GRCh37 (hg19) VCF-style: chr17-41223075-G-A.
Other names: c.4643C>T, p.Thr1548Ile (NM_001407571.1, NM_001407894.1, NM_001407895.1 and 12 more transcripts); c.4922C>T, p.Thr1641Ile (NM_001407581.1, NM_001407582.1); c.4919C>T, p.Thr1640Ile (NM_001407583.1, NM_001407585.1, NM_001407587.1 and 1 more transcripts); c.4916C>T, p.Thr1639Ile (NM_001407590.1, NM_001407591.1); c.4856C>T, p.Thr1619Ile (NM_001407593.1, NM_001407594.1, NM_001407596.1 and 8 more transcripts); c.4853C>T, p.Thr1618Ile (NM_001407617.1, NM_001407618.1, NM_001407619.1 and 17 more transcripts); c.4850C>T, p.Thr1617Ile (NM_001407636.1, NM_001407637.1, NM_001407638.1 and 14 more transcripts); c.4847C>T, p.Thr1616Ile (NM_001407644.1, NM_001407645.1); and 70 more; short protein forms T1619I, T1572I, T1640I, T515I, T1450I, T1492I, T1506I, T1507I.
Identifiers: ClinVar variation 231443 (VCV000231443.18), dbSNP rs876659163, ClinGen allele CA10580507.